The following is an entry in ClinVar:

NM_000070.3(CAPN3):c.2184G>A (p.Gln728=)

Gene: CAPN3 (calpain 3; plus strand). Cytogenetic location: 15q15.1.
Variant type: single nucleotide variant.
Coding change: c.2184G>A on transcript NM_000070.3 (MANE Select); coding-DNA position 2184, G replaced by A.
Protein change: p.Gln728=; no amino-acid change (glutamine 728 retained).
Molecular consequence: synonymous variant.
Genome position (GRCh38, 1-based): chr15:42,410,496, G>A. VCF-style: chr15-42410496-G-A. GRCh37 (hg19) VCF-style: chr15-42702694-G-A.
Other names: c.2166G>A, p.Gln722= (NM_024344.2); c.1908G>A, p.Gln636= (NM_173087.2); c.648G>A, p.Gln216= (NM_173088.2); c.189G>A, p.Gln63= (NM_173089.2, NM_173090.2).
Identifiers: ClinVar variation 285817 (VCV000285817.17), dbSNP rs886043220, ClinGen allele CA10605258.
Genomic context (GRCh38, chr15:42,410,496, plus strand): 5'-CTCTGGAAAGCTCAACCTGCAGGAGTTCCACCACCTCTGGAACAAGATTAAGGCCTGGCA[G>A]GTGGGAAGAGAAAATGAAGCGTGGGAGTCAAGAATGGGGTTGATTTGGAGATTCAGTGTG-3'
Protein context (NP_000061.1, residues 718-738): HHLWNKIKAW[Gln728=]KIFKHYDTDQ

ClinVar aggregate classification (germline): Conflicting classifications of pathogenicity. Review status: criteria provided, conflicting classifications (1 of 4 stars). 4 submissions from 4 submitters: Pathogenic (2); Likely pathogenic (1); Uncertain significance (1). Last evaluated 2026-01-06.

Conditions:
Muscular dystrophy, limb-girdle, autosomal dominant 4. Also called: Calpain-3-related limb-girdle muscular dystrophy D4; MUSCULAR DYSTROPHY, LIMB-GIRDLE, TYPE 1I. Identifiers: Orphanet 565909, MedGen C4748295, MONDO:0029133, OMIM 618129.
Autosomal recessive limb-girdle muscular dystrophy type 2A (LGMDR1). Also called: Calpainopathy; MUSCULAR DYSTROPHY, PELVOFEMORAL; Limb-girdle muscular dystrophy, type 2A; Muscular dystrophy, limb-girdle, type 2A, Amish; LEYDEN-MOEBIUS MUSCULAR DYSTROPHY. Identifiers: Orphanet 267, MedGen C1869123, MONDO:0009675, OMIM 253600. Disease mechanism: loss of function.

Allele frequency attached by ClinVar (database versions not stated): gnomAD 0.00001; gnomAD exomes 0.00001; TOPMed 0.00001.
gnomAD v4.1: 19 of 1,613,998 alleles (0.0012%); highest among the groups gnomAD compares: Non-Finnish European, 0.0015%; no homozygotes.

Submissions (5):

Labcorp Genetics (formerly Invitae), Labcorp
Classification: Pathogenic for Autosomal recessive limb-girdle muscular dystrophy type 2A. Last evaluated: 2026-01-06. Review status: criteria provided, single submitter. Criteria: Invitae Variant Classification Sherloc (09022015). Collection method: clinical testing. Allele origin: germline.
Comment: This sequence change affects codon 728 of the CAPN3 mRNA. It is a 'silent' change, meaning that it does not change the encoded amino acid sequence of the CAPN3 protein. This variant also falls at the last nucleotide of exon 20, which is part of the consensus splice site for this exon. This variant is not present in population databases (gnomAD no frequency). This variant has been observed in individual(s) with autosomal recessive limb-girdle muscular dystrophy (PMID: 16141003, 19556129; internal data). In at least one individual the data is consistent with being in trans (on the opposite chromosome) from a pathogenic variant. ClinVar contains an entry for this variant (Variation ID: 285817). Variants that disrupt the consensus splice site are a relatively common cause of aberrant splicing (PMID: 17576681, 9536098). Algorithms developed to predict the effect of sequence changes on RNA splicing suggest that this variant may disrupt the consensus splice site. For these reasons, this variant has been classified as Pathogenic.

Fulgent Genetics
Classification: Likely pathogenic for Autosomal recessive limb-girdle muscular dystrophy type 2A; Muscular dystrophy, limb-girdle, autosomal dominant 4. Last evaluated: 2024-05-08. Review status: criteria provided, single submitter. Criteria: ACMG Guidelines, 2015. Collection method: clinical testing. Allele origin: germline.

Baylor Genetics
Classification: Pathogenic for Muscular dystrophy, limb-girdle, autosomal dominant 4. Last evaluated: 2024-02-08. Review status: criteria provided, single submitter. Criteria: ACMG Guidelines, 2015. Collection method: clinical testing. Allele origin: unknown.

Eurofins Ntd Llc (ga)
Classification: Uncertain significance. Last evaluated: 2018-01-30. Review status: criteria provided, single submitter. Criteria: EGL Classification Definitions 2015. Collection method: clinical testing. Allele origin: germline. Observed: 5 variant alleles, 4 heterozygotes, 1 homozygote.

Dr. Peter K. Rogan Lab, Western University
No classification provided (evidence only). Condition: Melanoma. Review status: no classification provided. Collection method: in vitro. Allele origin: not applicable. Functional consequence: cryptic splice site, retained intron. Not counted in ClinVar's aggregate classification.

Literature cited by the submitters: PubMed 16141003 (cited by Labcorp Genetics (formerly Invitae), Labcorp and Eurofins Ntd Llc (ga)); PubMed 19556129 (cited by Labcorp Genetics (formerly Invitae), Labcorp and Eurofins Ntd Llc (ga)); PubMed 17576681 (cited by Labcorp Genetics (formerly Invitae), Labcorp); PubMed 9536098 (cited by Labcorp Genetics (formerly Invitae), Labcorp); PubMed 26404900 (cited by Eurofins Ntd Llc (ga)).